The following is an entry in ClinVar:

NM_002618.4(PEX13):c.767C>T (p.Thr256Ile)

Gene: PEX13 (peroxisomal biogenesis factor 13; plus strand). Cytogenetic location: 2p15.
Variant type: single nucleotide variant.
Coding change: c.767C>T on transcript NM_002618.4 (MANE Select); coding-DNA position 767, C replaced by T.
Protein change: p.Thr256Ile; replaces threonine 256 with isoleucine.
Molecular consequence: missense variant.
Genome position (GRCh38, 1-based): chr2:61,032,093, C>T. VCF-style: chr2-61032093-C-T. GRCh37 (hg19) VCF-style: chr2-61259228-C-T.
Other names: c.767C>T (NM_002618.3); short protein forms T256I.
Identifiers: ClinVar variation 1505815 (VCV001505815.7), dbSNP rs985608709, ClinGen allele CA48342662.

ClinVar aggregate classification (germline): Uncertain significance. Review status: criteria provided, single submitter (1 of 4 stars). 2 submissions from 2 submitters: Uncertain significance (1). 1 of the submissions does not count toward it. Last evaluated 2021-09-14.

Conditions:
PEX13-related disorder. Also called: PEX13-related condition; PEX13-related disorders.
Peroxisome biogenesis disorder 11A (Zellweger). Also called: Peroxisome biogenesis disorder 11A. Identifiers: Orphanet 912, MedGen C3554000, MONDO:0013949, OMIM 614883.

Allele frequency attached by ClinVar (database versions not stated): TOPMed 0.00001; gnomAD 0.00002.

Submissions (2):

Labcorp Genetics (formerly Invitae), Labcorp
Classification: Uncertain significance for Peroxisome biogenesis disorder 11A (Zellweger). Last evaluated: 2021-09-14. Review status: criteria provided, single submitter. Criteria: Invitae Variant Classification Sherloc (09022015). Collection method: clinical testing. Allele origin: germline.
Comment: Algorithms developed to predict the effect of missense changes on protein structure and function (SIFT, PolyPhen-2, Align-GVGD) all suggest that this variant is likely to be tolerated. In summary, the available evidence is currently insufficient to determine the role of this variant in disease. Therefore, it has been classified as a Variant of Uncertain Significance. This variant has not been reported in the literature in individuals affected with PEX13-related conditions. This variant is not present in population databases (ExAC no frequency). This sequence change replaces threonine with isoleucine at codon 256 of the PEX13 protein (p.Thr256Ile). The threonine residue is moderately conserved and there is a moderate physicochemical difference between threonine and isoleucine.

PreventionGenetics, part of Exact Sciences
Classification: Uncertain significance for PEX13-related condition. Last evaluated: 2024-06-14. Review status: no assertion criteria provided. Collection method: clinical testing. Allele origin: germline. Not counted in ClinVar's aggregate classification.
Comment: The PEX13 c.767C>T variant is predicted to result in the amino acid substitution p.Thr256Ile. To our knowledge, this variant has not been reported in the literature. This variant is reported in 0.011% of alleles in individuals of African descent in gnomAD. At this time, the clinical significance of this variant is uncertain due to the absence of conclusive functional and genetic evidence.